The following is an entry in ClinVar:

ClinVar aggregate classification (germline): Uncertain significance. Review status: criteria provided, multiple submitters, no conflicts (2 of 4 stars). 3 submissions from 3 submitters: Uncertain significance (3). Last evaluated 2025-09-26.

Conditions:
Inborn genetic diseases. Identifiers: MedGen C0950123, MeSH D030342.
Vici syndrome (VICIS). Identifiers: Orphanet 1493, MedGen C1855772, MONDO:0009452, OMIM 242840.

Allele frequency attached by ClinVar (database versions not stated): gnomAD 0.00001; TOPMed 0.00005; ExAC 0.00008.
gnomAD v4.1: 35 of 1,607,344 alleles (0.0022%); highest among the groups gnomAD compares: Admixed American, 0.06%; no homozygotes.

Submissions (3):

Ambry Genetics
Classification: Uncertain significance for Inborn genetic diseases. Last evaluated: 2025-09-26. Review status: criteria provided, single submitter. Criteria: Ambry Variant Classification Scheme 2023. Collection method: clinical testing. Allele origin: germline.

Labcorp Genetics (formerly Invitae), Labcorp
Classification: Uncertain significance for Vici syndrome. Last evaluated: 2022-08-29. Review status: criteria provided, single submitter. Criteria: Invitae Variant Classification Sherloc (09022015). Collection method: clinical testing. Allele origin: germline.
Comment: This sequence change replaces phenylalanine, which is neutral and non-polar, with leucine, which is neutral and non-polar, at codon 2085 of the EPG5 protein (p.Phe2085Leu). This variant is present in population databases (rs769470632, gnomAD 0.09%). This variant has not been reported in the literature in individuals affected with EPG5-related conditions. ClinVar contains an entry for this variant (Variation ID: 1055170). Algorithms developed to predict the effect of missense changes on protein structure and function are either unavailable or do not agree on the potential impact of this missense change (SIFT: "Tolerated"; PolyPhen-2: "Probably Damaging"; Align-GVGD: "Class C0"). In summary, the available evidence is currently insufficient to determine the role of this variant in disease. Therefore, it has been classified as a Variant of Uncertain Significance.

GeneDx
Classification: Uncertain significance. Last evaluated: 2019-04-02. Review status: criteria provided, single submitter. Criteria: GeneDx Variant Classification Process June 2021. Collection method: clinical testing. Allele origin: germline. Affected: yes.
Comment: In silico analysis, which includes protein predictors and evolutionary conservation, supports that this variant does not alter protein structure/function; Has not been previously published as pathogenic or benign to our knowledge

NM_020964.3(EPG5):c.6253T>C (p.Phe2085Leu)

Gene: EPG5 (ectopic P-granules 5 autophagy tethering factor; minus strand). Cytogenetic location: 18q12.3.
Variant type: single nucleotide variant.
Coding change: c.6253T>C on transcript NM_020964.3 (MANE Select); coding-DNA position 6253, T replaced by C.
Protein change: p.Phe2085Leu; replaces phenylalanine 2085 with leucine.
Molecular consequence: missense variant.
Genome position (GRCh38, 1-based): chr18:45,867,721, A>G on the plus strand (T>C on the coding strand, the complement: EPG5 is on the minus strand). VCF-style: chr18-45867721-A-G. GRCh37 (hg19) VCF-style: chr18-43447686-A-G.
Other names: short protein forms F2085L.
Identifiers: ClinVar variation 1055170 (VCV001055170.7), dbSNP rs769470632, ClinGen allele CA8948318.